The following is an entry in ClinVar:

NM_001378454.1(ALMS1):c.11601C>G (p.Phe3867Leu)

Gene: ALMS1 (ALMS1 centrosome and basal body associated protein; plus strand). Cytogenetic location: 2p13.1.
Variant type: single nucleotide variant.
Coding change: c.11601C>G on transcript NM_001378454.1 (MANE Select); coding-DNA position 11601, C replaced by G.
Protein change: p.Phe3867Leu; replaces phenylalanine 3867 with leucine.
Molecular consequence: missense variant.
Genome position (GRCh38, 1-based): chr2:73,599,454, C>G. VCF-style: chr2-73599454-C-G. GRCh37 (hg19) VCF-style: chr2-73826581-C-G.
Other names: c.11604C>G, p.Phe3868Leu (NM_015120.4); short protein forms F3867L, F3868L.
Identifiers: ClinVar variation 1383985 (VCV001383985.3), dbSNP rs80009262, ClinGen allele CA1715256.

ClinVar aggregate classification (germline): Uncertain significance (1 of 4 stars; one submission).

Conditions:
Alstrom syndrome (ALMS). Identifiers: Orphanet 64, MedGen C0268425, MONDO:0008763, OMIM 203800.

Allele frequency attached by ClinVar (database versions not stated): 1000 Genomes Project 30x 0.00016.
gnomAD v4.1: 9 of 1,613,550 alleles (0.00056%); highest among the groups gnomAD compares: Admixed American, 0.0067%; no homozygotes.

Submission:

Labcorp Genetics (formerly Invitae), Labcorp
Classification: Uncertain significance for Alstrom syndrome. Last evaluated: 2022-05-22. Review status: criteria provided, single submitter. Criteria: Invitae Variant Classification Sherloc (09022015). Collection method: clinical testing. Allele origin: germline.
Comment: This sequence change replaces phenylalanine, which is neutral and non-polar, with leucine, which is neutral and non-polar, at codon 3868 of the ALMS1 protein (p.Phe3868Leu). This variant is not present in population databases (gnomAD no frequency). This variant has not been reported in the literature in individuals affected with ALMS1-related conditions. Experimental studies and prediction algorithms are not available or were not evaluated, and the functional significance of this variant is currently unknown. In summary, the available evidence is currently insufficient to determine the role of this variant in disease. Therefore, it has been classified as a Variant of Uncertain Significance.